The following is an entry in ClinVar:

ClinVar aggregate classification (germline): Uncertain significance (1 of 4 stars; one submission).

Submission:

GeneDx
Classification: Uncertain significance. Last evaluated: 2025-12-08. Review status: criteria provided, single submitter. Criteria: GeneDx Variant Classification Process June 2021. Collection method: clinical testing. Allele origin: germline. Affected: yes.
Comment: Not observed at significant frequency in large population cohorts (gnomAD); In-frame deletion of 1 amino acid in a non-repeat region; In silico analysis suggests that this variant does not alter protein structure/function; Has not been previously published as pathogenic or benign to our knowledge

NM_001009944.3(PKD1):c.2440_2442del (p.Ser814del)

Gene: PKD1 (polycystin 1, transient receptor potential channel interacting; minus strand). Cytogenetic location: 16p13.3.
Variant type: Deletion.
Coding change: c.2440_2442del on transcript NM_001009944.3 (MANE Select); coding-DNA positions 2440 to 2442, 3 bases deleted (AGC; older notation c.2440_2442delAGC).
Protein change: p.Ser814del; deletes serine 814.
Molecular consequence: inframe indel (on NM_001009944.2).
Genome position (GRCh38, 1-based): chr16:2,114,581-2,114,583, GCT deleted on the plus strand (AGC on the coding strand, the reverse complement: PKD1 is on the minus strand); deleting any 3 consecutive bases within chr16:2,114,581-2,114,585 gives the same sequence; the c. name uses the placement nearest the transcript's 3' end. VCF-style (leftmost placement, unchanged base first): chr16-2114580-AGCT-A. GRCh37 (hg19) VCF-style: chr16-2164581-AGCT-A.
Other names: c.2440_2442del, p.Ser814del (NM_000296.4); c.2438_2440delGCA, p.Ser814del (NM_001009944.2); short protein forms S814del.
Identifiers: ClinVar variation 3371071 (VCV003371071.2).
Genomic context (GRCh38, chr16:2,114,580, plus strand): 5'-GGCCGTCGCGGGGGGCAGGGTAGATGACCCGCAGCCCAGCCACTGGGGAGACCACGTCAA[AGCT>A]GCAGGAGAGGTTGTGCCTGGACACGCCATTGCCCACCTCTGCCCGGACCTCATAGCGCCC-3'